The following is an entry in ClinVar:

ClinVar aggregate classification (germline): Likely pathogenic (1 of 4 stars; one submission).

Conditions:
Meckel syndrome, type 3 (MKS3). Also called: MECKEL-GRUBER SYNDROME, TYPE 3. Identifiers: Orphanet 564, MedGen C1846357, MONDO:0011821, OMIM 607361.

Submission:

Molecular Genetics Center, Sichuan Provincial People's Hospital
Classification: Likely pathogenic for Meckel syndrome, type 3. Last evaluated: 2024-12-17. Review status: criteria provided, single submitter. Criteria: ACMG Guidelines, 2015. Collection method: clinical testing. Allele origin: germline. Inheritance: Autosomal recessive inheritance. Affected: yes. Observed: 1 compound heterozygote.
Comment: The variant is a missense mutation. This variant has not been reported in the previous literature. The frequency of this variant is 0 in healthy individuals (PM2). Two fetus carrying same variant have same phenotye (PP1_Moderate). This variant forms a compound heterozygous state with another suspected pathogenic variant (TMEM67 c.1243G>A(p.Val415Met), reported before in (PMID:38311563)) (PM3). The phenotypes of these fetuses exhibit a high degree of concordance with the characteristics of Meckel syndrome (PP4). According to the ACMG guidelines, this variant is classified as likely pathogenic (PM2 + PM3 + PP1_Moderate + PP4).

NM_153704.6(TMEM67):c.242T>C (p.Leu81Pro)

Gene: TMEM67 (transmembrane protein 67; plus strand). Cytogenetic location: 8q22.1.
Variant type: single nucleotide variant.
Coding change: c.242T>C on transcript NM_153704.6 (MANE Select); coding-DNA position 242, T replaced by C.
Protein change: p.Leu81Pro; replaces leucine 81 with proline.
Molecular consequence: missense variant. On other transcripts: non-coding transcript variant (1), intron variant (1).
Genome position (GRCh38, 1-based): chr8:93,755,796, T>C. VCF-style: chr8-93755796-T-C. GRCh37 (hg19) VCF-style: chr8-94768024-T-C.
Other names: c.-62+659T>C (NM_001142301.1); short protein forms L81P.
Identifiers: ClinVar variation 3602083 (VCV003602083.1).